The following is an entry in ClinVar:

NM_001005242.3(PKP2):c.2398C>T (p.Leu800=)

Gene: PKP2 (plakophilin 2; minus strand). Cytogenetic location: 12p11.21.
Variant type: single nucleotide variant.
Coding change: c.2398C>T on transcript NM_001005242.3 (MANE Select); coding-DNA position 2398, C replaced by T.
Protein change: p.Leu800=; no amino-acid change (leucine 800 retained).
Molecular consequence: synonymous variant.
Genome position (GRCh38, 1-based): chr12:32,792,691, G>A on the plus strand (C>T on the coding strand, the complement: PKP2 is on the minus strand). VCF-style: chr12-32792691-G-A. GRCh37 (hg19) VCF-style: chr12-32945625-G-A.
Other names: c.2530C>T, p.Leu844= (NM_004572.4).
Identifiers: ClinVar variation 1171787 (VCV001171787.6), dbSNP rs2137698131, ClinGen allele CA479170576.

ClinVar aggregate classification (germline): Likely benign. Review status: criteria provided, multiple submitters, no conflicts (2 of 4 stars). 3 submissions from 3 submitters: Likely benign (3). Last evaluated 2023-11-28.

Conditions:
Arrhythmogenic right ventricular cardiomyopathy (ARVD). Also called: Cardiomyopathy, ARVC; Arrhythmogenic right ventricular dysplasia; Arrhythmogenic cardiomyopathy; Arrhythmogenic Right Ventricular Cardiomyopathy (ARVC). Identifiers: Orphanet 247, MedGen C0349788, MeSH D019571, MONDO:0016587. Disease mechanism: loss of function. Inheritance: Various modes of inheritance.
Cardiomyopathy (CMYO). Also called: Cardiomyopathies. Identifiers: Orphanet 167848, MedGen C0878544, MONDO:0004994, HP:0001638. Inheritance: Various modes of inheritance.
Arrhythmogenic right ventricular dysplasia 9 (ARVD9). Also called: Arrhythmogenic Right Ventricular Dysplasia/Cardiomyopathy 9; ARRHYTHMOGENIC RIGHT VENTRICULAR DYSPLASIA, FAMILIAL, 9. Identifiers: MedGen C1836906, MONDO:0012180, OMIM 609040.

gnomAD v4.1: 1 of 1,614,122 alleles (0.000062%); no homozygotes.

Submissions (3):

All of Us Research Program, National Institutes of Health
Classification: Likely benign for Arrhythmogenic right ventricular cardiomyopathy. Last evaluated: 2023-11-28. Review status: criteria provided, single submitter. Criteria: ACMG Guidelines, 2015. Collection method: clinical testing. Allele origin: germline. Inheritance: Autosomal dominant inheritance. Observed: 2 variant alleles, 2 heterozygotes.
Comment: This study involves interpretation of variants in research participants for the purpose of population health screening. Participant phenotype was not available at the time of variant classification. Additional details can be found in publication PMID: 35346344, PMCID: PMC8962531

Labcorp Genetics (formerly Invitae), Labcorp
Classification: Likely benign for Arrhythmogenic right ventricular dysplasia 9. Last evaluated: 2023-03-23. Review status: criteria provided, single submitter. Criteria: Invitae Variant Classification Sherloc (09022015). Collection method: clinical testing. Allele origin: germline.

Color Diagnostics, LLC DBA Color Health
Classification: Likely benign for Cardiomyopathy. Last evaluated: 2020-12-08. Review status: criteria provided, single submitter. Criteria: ACMG Guidelines, 2015. Collection method: clinical testing. Allele origin: germline.